The following is an entry in ClinVar:

ClinVar aggregate classification (germline): Uncertain significance (1 of 4 stars; one submission).

Conditions:
Breast-ovarian cancer, familial, susceptibility to, 4. Identifiers: Orphanet 145, MedGen C3280345, MONDO:0013669, OMIM 614291.

Submission:

Labcorp Genetics (formerly Invitae), Labcorp
Classification: Uncertain significance for Breast-ovarian cancer, familial, susceptibility to, 4. Last evaluated: 2024-06-03. Review status: criteria provided, single submitter. Criteria: Invitae Variant Classification Sherloc (09022015). Collection method: clinical testing. Allele origin: germline.
Comment: This sequence change replaces arginine, which is basic and polar, with methionine, which is neutral and non-polar, at codon 5 of the RAD51D protein (p.Arg5Met). This variant is not present in population databases (gnomAD no frequency). This variant has not been reported in the literature in individuals affected with RAD51D-related conditions. An algorithm developed to predict the effect of missense changes on protein structure and function (PolyPhen-2) suggests that this variant is likely to be disruptive. In summary, the available evidence is currently insufficient to determine the role of this variant in disease. Therefore, it has been classified as a Variant of Uncertain Significance.

NM_002878.4(RAD51D):c.14G>T (p.Arg5Met)

Genes: RAD51D (RAD51 paralog D; minus strand), RAD51L3-RFFL (RAD51L3-RFFL readthrough; minus strand). Cytogenetic location: 17q12.
Variant type: single nucleotide variant.
Coding change: c.14G>T on transcript NM_002878.4 (MANE Select); coding-DNA position 14, G replaced by T.
Protein change: p.Arg5Met; replaces arginine 5 with methionine.
Molecular consequence: missense variant. On other transcripts: non-coding transcript variant (2).
Genome position (GRCh38, 1-based): chr17:35,119,600, C>A on the plus strand (G>T on the coding strand, the complement: RAD51D is on the minus strand). VCF-style: chr17-35119600-C-A. GRCh37 (hg19) VCF-style: chr17-33446619-C-A.
Other names: c.14G>T, p.Arg5Met (NM_001142571.2, NM_133629.3); short protein forms R5M.
Identifiers: ClinVar variation 2847406 (VCV002847406.3), dbSNP rs2091799333, ClinGen allele CA399092573.